The following is an entry in ClinVar:

ClinVar aggregate classification (germline): Uncertain significance (1 of 4 stars; one submission).

Conditions:
Neurofibromatosis, type 2 (SWNV). Also called: BILATERAL ACOUSTIC NEUROFIBROMATOSIS; SCHWANNOMATOSIS, VESTIBULAR; NF2-Related Schwannomatosis. Identifiers: Orphanet 637, MedGen C0027832, MONDO:0007039, OMIM 101000. Disease mechanism: loss of function.

Submission:

Labcorp Genetics (formerly Invitae), Labcorp
Classification: Uncertain significance for Neurofibromatosis, type 2. Last evaluated: 2024-06-19. Review status: criteria provided, single submitter. Criteria: Invitae Variant Classification Sherloc (09022015). Collection method: clinical testing. Allele origin: germline.
Comment: This sequence change replaces arginine, which is basic and polar, with lysine, which is basic and polar, at codon 358 of the NF2 protein (p.Arg358Lys). This variant is not present in population databases (gnomAD no frequency). This variant has not been reported in the literature in individuals affected with NF2-related conditions. Advanced modeling of protein sequence and biophysical properties (such as structural, functional, and spatial information, amino acid conservation, physicochemical variation, residue mobility, and thermodynamic stability) performed at Invitae indicates that this missense variant is not expected to disrupt NF2 protein function with a negative predictive value of 80%. In summary, the available evidence is currently insufficient to determine the role of this variant in disease. Therefore, it has been classified as a Variant of Uncertain Significance.

NM_000268.4(NF2):c.1073G>A (p.Arg358Lys)

Gene: NF2 (NF2, moesin-ezrin-radixin like (MERLIN) tumor suppressor; plus strand). Cytogenetic location: 22q12.2.
Variant type: single nucleotide variant.
Coding change: c.1073G>A on transcript NM_000268.4 (MANE Select); coding-DNA position 1073, G replaced by A.
Protein change: p.Arg358Lys; replaces arginine 358 with lysine.
Molecular consequence: missense variant. On other transcripts: intron variant (1).
Genome position (GRCh38, 1-based): chr22:29,671,899, G>A. VCF-style: chr22-29671899-G-A. GRCh37 (hg19) VCF-style: chr22-30067888-G-A.
Other names: c.959G>A, p.Arg320Lys (NM_001407053.1, NM_001407056.1); c.950G>A, p.Arg317Lys (NM_001407054.1, NM_001407058.1, NM_181829.3); c.947G>A, p.Arg316Lys (NM_001407055.1, NM_181828.3); c.938G>A, p.Arg313Lys (NM_001407057.1, NM_001407059.1); c.1073G>A, p.Arg358Lys (NM_001407060.1, NM_001407066.1, NM_016418.5 and 2 more transcripts); c.815G>A, p.Arg272Lys (NM_001407062.1); c.824G>A, p.Arg275Lys (NM_001407063.1, NM_001407064.1, NM_181830.3 and 1 more transcripts); c.539G>A, p.Arg180Lys (NM_001407065.1); and 2 more; short protein forms R275K, R281K, R313K, R316K, R320K, R358K, R180K, R272K.
Identifiers: ClinVar variation 3635325 (VCV003635325.2).
Genomic context (GRCh38, chr22:29,671,899, plus strand): 5'-GCCTCGCTCGAGAGAAGCAGATGAGGGAGGAGGCTGAACGCACGAGGGATGAGTTGGAGA[G>A]GAGGCTGCTGCAGATGAAAGAAGAAGCAACAATGGCCAACGAAGCACTGGTGATTTCTGA-3'
Protein context (NP_000259.1, residues 348-368): EAERTRDELE[Arg358Lys]RLLQMKEEAT